The following is an entry in ClinVar:

ClinVar aggregate classification (germline): Likely benign (1 of 4 stars; one submission).

Allele frequency attached by ClinVar (database versions not stated): gnomAD exomes 0.00030; gnomAD 0.00038; ExAC 0.00046; ESP Exome Variant Server 0.00046; TOPMed 0.00049.
gnomAD v4.1: 549 of 1,613,920 alleles (0.034%); highest among the groups gnomAD compares: Non-Finnish European, 0.011%; 4 homozygotes.

Submission:

CeGaT Center for Human Genetics Tuebingen
Classification: Likely benign. Last evaluated: 2023-08-01. Review status: criteria provided, single submitter. Criteria: CeGaT Center For Human Genetics Tuebingen Variant Classification Criteria Version 2. Collection method: clinical testing. Allele origin: germline. Affected: yes. Observed: 2 variant alleles.
Comment: CCDC116: BP4

NM_152612.3(CCDC116):c.1309G>A (p.Asp437Asn)

Gene: CCDC116 (coiled-coil domain containing 116; plus strand). Cytogenetic location: 22q11.21.
Variant type: single nucleotide variant.
Coding change: c.1309G>A on transcript NM_152612.3 (MANE Select); coding-DNA position 1309, G replaced by A.
Protein change: p.Asp437Asn; replaces aspartic acid 437 with asparagine.
Molecular consequence: missense variant.
Genome position (GRCh38, 1-based): chr22:21,636,537, G>A. VCF-style: chr22-21636537-G-A. GRCh37 (hg19) VCF-style: chr22-21990826-G-A.
Other names: short protein forms D437N.
Identifiers: ClinVar variation 2652947 (VCV002652947.24), dbSNP rs144221624, ClinGen allele CA10123290.